The following is an entry in ClinVar:

ClinVar aggregate classification (germline): Conflicting classifications of pathogenicity. Review status: criteria provided, conflicting classifications (1 of 4 stars). 4 submissions from 4 submitters: Uncertain significance (3); Likely benign (1). Last evaluated 2026-05-06.

Conditions:
Hereditary cancer-predisposing syndrome. Also called: Tumor predisposition; Neoplastic Syndromes, Hereditary; Hereditary neoplastic syndrome; Hereditary Cancer Syndrome. Identifiers: Orphanet 140162, MedGen C0027672, MeSH D009386, MONDO:0015356.
Hereditary diffuse gastric adenocarcinoma (HDGC). Also called: DIFFUSE GASTRIC AND LOBULAR BREAST CANCER SYNDROME. Identifiers: Orphanet 26106, MedGen C1708349, MONDO:0007648, OMIM 137215.

Submissions (4):

Ambry Genetics
Classification: Likely benign for Hereditary cancer-predisposing syndrome. Last evaluated: 2026-05-06. Review status: criteria provided, single submitter. Criteria: Ambry Variant Classification Scheme 2023. Collection method: clinical testing. Allele origin: germline.

Color Diagnostics, LLC DBA Color Health
Classification: Uncertain significance for Hereditary cancer-predisposing syndrome. Last evaluated: 2025-06-12. Review status: criteria provided, single submitter. Criteria: ACMG Guidelines, 2015. Collection method: clinical testing. Allele origin: germline.
Comment: This missense variant replaces glutamic acid with lysine at codon 310 of the CDH1 protein. To our knowledge, functional studies have not been reported for this variant. This variant has not been reported in individuals affected with CDH1-related disorders in the literature. This variant has not been identified in the general population by the Genome Aggregation Database (gnomAD). The available evidence is insufficient to determine the role of this variant in disease conclusively. Therefore, this variant is classified as a Variant of Uncertain Significance.

Quest Diagnostics Nichols Institute San Juan Capistrano
Classification: Uncertain significance. Last evaluated: 2025-01-10. Review status: criteria provided, single submitter. Criteria: Quest Diagnostics criteria. Collection method: clinical testing. Allele origin: unknown.
Comment: The CDH1 c.928G>A (p.Glu310Lys) variant has been reported in the published literature in an individual with bilateral breast cancer (PMID: 27904775 (2016)). This variant has not been reported in large, multi-ethnic general populations (Genome Aggregation Database). Analysis of this variant using bioinformatics tools for the prediction of the effect of amino acid changes on protein structure and function yielded predictions that this variant is benign. Based on the available information, we are unable to determine the clinical significance of this variant.

Labcorp Genetics (formerly Invitae), Labcorp
Classification: Uncertain significance for Hereditary diffuse gastric adenocarcinoma. Last evaluated: 2023-08-11. Review status: criteria provided, single submitter. Criteria: Invitae Variant Classification Sherloc (09022015). Collection method: clinical testing. Allele origin: germline.
Comment: In summary, the available evidence is currently insufficient to determine the role of this variant in disease. Therefore, it has been classified as a Variant of Uncertain Significance. Algorithms developed to predict the effect of missense changes on protein structure and function output the following: SIFT: "Not Available"; PolyPhen-2: "Benign"; Align-GVGD: "Not Available". The lysine amino acid residue is found in multiple mammalian species, which suggests that this missense change does not adversely affect protein function. ClinVar contains an entry for this variant (Variation ID: 823143). This variant has not been reported in the literature in individuals affected with CDH1-related conditions. This variant is not present in population databases (gnomAD no frequency). This sequence change replaces glutamic acid, which is acidic and polar, with lysine, which is basic and polar, at codon 310 of the CDH1 protein (p.Glu310Lys).

Literature cited by the submitters: PubMed 27904775 (cited by Quest Diagnostics Nichols Institute San Juan Capistrano).

NM_004360.5(CDH1):c.928G>A (p.Glu310Lys)

Gene: CDH1 (cadherin 1; plus strand). Cytogenetic location: 16q22.1.
Variant type: single nucleotide variant.
Coding change: c.928G>A on transcript NM_004360.5 (MANE Select); coding-DNA position 928, G replaced by A.
Protein change: p.Glu310Lys; replaces glutamic acid 310 with lysine.
Molecular consequence: missense variant. On other transcripts: 5 prime UTR variant (2).
Genome position (GRCh38, 1-based): chr16:68,811,779, G>A. VCF-style: chr16-68811779-G-A. GRCh37 (hg19) VCF-style: chr16-68845682-G-A.
Other names: c.928G>A, p.Glu310Lys (NM_001317184.2); c.-688G>A (NM_001317185.2); c.-892G>A (NM_001317186.2); c.928G>A (NM_004360.4); short protein forms E310K.
Identifiers: ClinVar variation 823143 (VCV000823143.13), dbSNP rs1597894150, ClinGen allele CA396459735.
Genomic context (GRCh38, chr16:68,811,779, plus strand): 5'-GACGATGATGTGAACACCTACAATGCCGCCATCGCTTACACCATCCTCAGCCAAGATCCT[G>A]AGCTCCCTGACAAAAATATGTTCACCATTAACAGGAACACAGGAGTCATCAGTGTGGTCA-3'
Protein context (NP_004351.1, residues 300-320): IAYTILSQDP[Glu310Lys]LPDKNMFTIN